The following is an entry in ClinVar:

NM_178857.6(RP1L1):c.2238G>A (p.Ser746=)

Gene: RP1L1 (RP1 like 1). Cytogenetic location: 8p23.1.
Variant type: single nucleotide variant.
Coding change: c.2238G>A on transcript NM_178857.6 (MANE Select); coding-DNA position 2238, G replaced by A.
Protein change: p.Ser746=; no amino-acid change (serine 746 retained).
Molecular consequence: synonymous variant.
Genome position (GRCh38, 1-based): chr8:10,611,860, C>T on the plus strand (G>A on the coding strand, the complement: RP1L1 is on the minus strand). VCF-style: chr8-10611860-C-T. GRCh37 (hg19) VCF-style: chr8-10469370-C-T.
Other names: NC_000008.10:g.10469370C>T.
Identifiers: ClinVar variation 911578 (VCV000911578.6), dbSNP rs190077685, ClinGen allele CA4624905.

ClinVar aggregate classification (germline): Benign. Review status: criteria provided, multiple submitters, no conflicts (2 of 4 stars). 2 submissions from 2 submitters: Benign (2). Last evaluated 2024-10-07.

Conditions:
Occult macular dystrophy (OCMD). Also called: OCCULT MACULAR DYSTROPHY, SUSCEPTIBILITY TO; OMD. Identifiers: Orphanet 247834, MedGen C3150833, MONDO:0013316, OMIM 613587, HP:0030636.

Allele frequency attached by ClinVar (database versions not stated): gnomAD exomes 0.00033 and 0.00075; ExAC 0.00094; gnomAD 0.00280 and 0.00294; TOPMed 0.00292; ESP Exome Variant Server 0.00293; 1000 Genomes Project 0.00339; 1000 Genomes Project 30x 0.00375.
gnomAD v4.1: 902 of 1,613,792 alleles (0.056%); highest among the groups gnomAD compares: African/African-American, 0.95%; 9 homozygotes.

Submissions (3):

Blueprint Genetics
Classification: Benign. Last evaluated: 2024-10-07. Review status: criteria provided, single submitter. Criteria: ACMG Guidelines, 2015. Collection method: clinical testing. Allele origin: germline.

Illumina Laboratory Services, Illumina
Classification: Benign for Occult macular dystrophy. Last evaluated: 2018-01-13. Review status: criteria provided, single submitter. Criteria: ICSL Variant Classification Criteria 13 December 2019. Collection method: clinical testing. Allele origin: germline.
Comment: This variant was observed in the ICSL laboratory as part of a predisposition screen in an ostensibly healthy population. It had not been previously curated by ICSL or reported in the Human Gene Mutation Database (HGMD: prior to June 1st, 2018), and was therefore a candidate for classification through an automated scoring system. Utilizing variant allele frequency, disease prevalence and penetrance estimates, and inheritance mode, an automated score was calculated to assess if this variant is too frequent to cause the disease. Based on the score and internal cut-off values, a variant classified as benign is not then subjected to further curation. The score for this variant resulted in a classification of benign for this disease.

Dr. Peter K. Rogan Lab, Western University
No classification provided (evidence only). Condition: Hepatocellular carcinoma. Review status: no classification provided. Collection method: in vitro. Allele origin: not applicable. Functional consequence: retained intron. Not counted in ClinVar's aggregate classification.